The following is an entry in ClinVar:

NM_020297.4(ABCC9):c.4357C>T (p.Gln1453Ter)

Genes: ABCC9 (ATP binding cassette subfamily C member 9; minus strand), KCNJ8-AS1 (KCNJ8 antisense RNA 1; plus strand). Cytogenetic location: 12p12.1.
Variant type: single nucleotide variant.
Coding change: c.4357C>T on transcript NM_020297.4 (MANE Select); coding-DNA position 4357, C replaced by T.
Protein change: p.Gln1453Ter; replaces glutamine 1453 with a stop codon.
Molecular consequence: nonsense.
Genome position (GRCh38, 1-based): chr12:21,807,438, G>A on the plus strand (C>T on the coding strand, the complement: ABCC9 is on the minus strand). VCF-style: chr12-21807438-G-A. GRCh37 (hg19) VCF-style: chr12-21960372-G-A.
Other names: c.4357C>T, p.Gln1453Ter (NM_001377273.1, NM_005691.4); c.3490C>T, p.Gln1164Ter (NM_001377274.1); short protein forms Q1164*, Q1453*.
Identifiers: ClinVar variation 1739967 (VCV001739967.2), dbSNP rs2540806468, ClinGen allele CA384131974.

ClinVar aggregate classification (germline): Uncertain significance (1 of 4 stars; one submission).

Conditions:
Cardiovascular phenotype. Identifiers: MedGen CN230736.

Submission:

Ambry Genetics
Classification: Uncertain significance for Cardiovascular phenotype. Last evaluated: 2022-05-27. Review status: criteria provided, single submitter. Criteria: Ambry Variant Classification Scheme 2023. Collection method: clinical testing. Allele origin: germline.
Comment: The p.Q1453* variant (also known as c.4357C>T), located in coding exon 36 of the ABCC9 gene, results from a C to T substitution at nucleotide position 4357. This changes the amino acid from a glutamine to a stop codon within coding exon 36. This alteration is expected to result in premature protein truncation or nonsense-mediated mRNA decay. However, loss of function of ABCC9 has not been clearly established as a mechanism of disease. Since supporting evidence is limited at this time, the clinical significance of this alteration remains unclear.